The following is an entry in ClinVar:

ClinVar aggregate classification (germline): Uncertain significance. Review status: criteria provided, multiple submitters, no conflicts (2 of 4 stars). 3 submissions from 3 submitters: Uncertain significance (3). Last evaluated 2025-01-15.

Conditions:
Familial cold autoinflammatory syndrome 4 (FCAS4). Identifiers: Orphanet 47045, Orphanet 576349, MedGen C4015276, MONDO:0014498, OMIM 616115.
Periodic fever-infantile enterocolitis-autoinflammatory syndrome. Also called: Autoinflammation with infantile enterocolitis. Identifiers: Orphanet 436166, MedGen C4015067, MONDO:0014472, OMIM 616050.
Autoinflammatory syndrome. Identifiers: Orphanet 93665, MedGen C3890737, MONDO:0019751.
Inborn genetic diseases. Identifiers: MedGen C0950123, MeSH D030342.

Allele frequency attached by ClinVar (database versions not stated): ExAC 0.00002; gnomAD exomes 0.00003 and 0.00001; gnomAD 0.00003 and 0.00002.
gnomAD v4.1: 25 of 1,613,976 alleles (0.0015%); highest among the groups gnomAD compares: Admixed American, 0.0067%; no homozygotes.

Submissions (3):

Ambry Genetics
Classification: Uncertain significance for Inborn genetic diseases. Last evaluated: 2025-01-15. Review status: criteria provided, single submitter. Criteria: Ambry Variant Classification Scheme 2023. Collection method: clinical testing. Allele origin: germline.

Labcorp Genetics (formerly Invitae), Labcorp
Classification: Uncertain significance for Periodic fever-infantile enterocolitis-autoinflammatory syndrome; Familial cold autoinflammatory syndrome 4. Last evaluated: 2024-03-01. Review status: criteria provided, single submitter. Criteria: Invitae Variant Classification Sherloc (09022015). Collection method: clinical testing. Allele origin: germline.
Comment: This sequence change replaces glycine, which is neutral and non-polar, with arginine, which is basic and polar, at codon 189 of the NLRC4 protein (p.Gly189Arg). This variant is present in population databases (rs771648968, gnomAD 0.01%). This variant has not been reported in the literature in individuals affected with NLRC4-related conditions. ClinVar contains an entry for this variant (Variation ID: 1694382). Advanced modeling of protein sequence and biophysical properties (such as structural, functional, and spatial information, amino acid conservation, physicochemical variation, residue mobility, and thermodynamic stability) performed at Invitae indicates that this missense variant is not expected to disrupt NLRC4 protein function with a negative predictive value of 80%. In summary, the available evidence is currently insufficient to determine the role of this variant in disease. Therefore, it has been classified as a Variant of Uncertain Significance.

Genome Diagnostics Laboratory, The Hospital for Sick Children
Classification: Uncertain significance for Autoinflammatory syndrome. Last evaluated: 2016-12-12. Review status: criteria provided, single submitter. Criteria: ACMG Guidelines, 2015. Collection method: clinical testing. Allele origin: germline. Affected: yes.

NM_001199138.2(NLRC4):c.565G>A (p.Gly189Arg)

Gene: NLRC4 (NLR family CARD domain containing 4; minus strand). Cytogenetic location: 2p22.3.
Variant type: single nucleotide variant.
Coding change: c.565G>A on transcript NM_001199138.2 (MANE Select); coding-DNA position 565, G replaced by A.
Protein change: p.Gly189Arg; replaces glycine 189 with arginine.
Molecular consequence: missense variant. On other transcripts: intron variant (1).
Genome position (GRCh38, 1-based): chr2:32,251,299, C>T on the plus strand (G>A on the coding strand, the complement: NLRC4 is on the minus strand). VCF-style: chr2-32251299-C-T. GRCh37 (hg19) VCF-style: chr2-32476368-C-T.
Other names: c.565G>A, p.Gly189Arg (NM_001199139.2, NM_021209.5); c.262+1120G>A (NM_001302504.1); short protein forms G189R.
Identifiers: ClinVar variation 1694382 (VCV001694382.6), dbSNP rs771648968, ClinGen allele CA1602118.